The following is an entry in ClinVar:

NM_018699.4(PRDM5):c.1234T>C (p.Leu412=)

Gene: PRDM5 (PR/SET domain 5; minus strand). Cytogenetic location: 4q27.
Variant type: single nucleotide variant.
Coding change: c.1234T>C on transcript NM_018699.4 (MANE Select); coding-DNA position 1234, T replaced by C.
Protein change: p.Leu412=; no amino-acid change (leucine 412 retained).
Molecular consequence: synonymous variant.
Genome position (GRCh38, 1-based): chr4:120,785,046, A>G on the plus strand (T>C on the coding strand, the complement: PRDM5 is on the minus strand). VCF-style: chr4-120785046-A-G. GRCh37 (hg19) VCF-style: chr4-121706201-A-G.
Other names: p.Leu412=; c.1141T>C, p.Leu381= (NM_001300823.2, NM_001300824.2, NM_001379106.1); c.1267T>C, p.Leu423= (NM_001379104.1); c.1234T>C (NM_018699.3).
Identifiers: ClinVar variation 347437 (VCV000347437.17), dbSNP rs12499000, ClinGen allele CA3061111.

ClinVar aggregate classification (germline): Benign. Review status: criteria provided, multiple submitters, no conflicts (2 of 4 stars). 6 submissions from 6 submitters: Benign (6). Last evaluated 2026-02-04.

Conditions:
Cardiovascular phenotype. Identifiers: MedGen CN230736.

Allele frequency attached by ClinVar (database versions not stated): 1000 Genomes Project 30x 0.13320; 1000 Genomes Project 0.13738; TOPMed 0.19464; gnomAD 0.19796 and 0.19996; ESP Exome Variant Server 0.19983; ExAC 0.21155; gnomAD exomes 0.21674 and 0.25482.
gnomAD v4.1: 401,036 of 1,608,530 alleles (25%); highest among the groups gnomAD compares: Non-Finnish European, 28%; 53,348 homozygotes.

Submissions (6):

Labcorp Genetics (formerly Invitae), Labcorp
Classification: Benign. Last evaluated: 2026-02-04. Review status: criteria provided, single submitter. Criteria: Invitae Variant Classification Sherloc (09022015). Collection method: clinical testing. Allele origin: germline.

Women's Health and Genetics/Laboratory Corporation of America, LabCorp
Classification: Benign. Last evaluated: 2026-01-21. Review status: criteria provided, single submitter. Criteria: LabCorp Variant Classification Summary - May 2015. Collection method: clinical testing. Allele origin: germline.

Mayo Clinic Laboratories, Mayo Clinic
Classification: Benign. Last evaluated: 2022-04-26. Review status: criteria provided, single submitter. Criteria: ACMG Guidelines, 2015. Collection method: clinical testing. Allele origin: germline. Observed: 1,399 variant alleles.

Ambry Genetics
Classification: Benign for Cardiovascular phenotype. Last evaluated: 2018-12-04. Review status: criteria provided, single submitter. Criteria: Ambry Variant Classification Scheme 2023. Collection method: clinical testing. Allele origin: germline.

GeneDx
Classification: Benign. Last evaluated: 2016-09-29. Review status: criteria provided, single submitter. Criteria: GeneDx Variant Classification (06012015). Collection method: clinical testing. Allele origin: germline. Affected: yes.
Comment: This variant is considered likely benign or benign based on one or more of the following criteria: it is a conservative change, it occurs at a poorly conserved position in the protein, it is predicted to be benign by multiple in silico algorithms, and/or has population frequency not consistent with disease.

Breakthrough Genomics
Classification: Benign. Review status: criteria provided, single submitter. Criteria: ACMG Guidelines, 2015. Collection method: not provided. Allele origin: germline. Inheritance: Autosomal recessive inheritance. Affected: yes.